The following is an entry in ClinVar:

ClinVar aggregate classification (germline): Likely pathogenic (1 of 4 stars; one submission).

Submission:

GeneDx
Classification: Likely pathogenic. Last evaluated: 2023-07-02. Review status: criteria provided, single submitter. Criteria: GeneDx Variant Classification Process June 2021. Collection method: clinical testing. Allele origin: germline. Affected: yes.
Comment: Not observed at significant frequency in large population cohorts (gnomAD); In silico analysis supports that this missense variant has a deleterious effect on protein structure/function; This variant is associated with the following publications: (PMID: 30109123)

NM_006015.6(ARID1A):c.3406G>A (p.Ala1136Thr)

Gene: ARID1A (AT-rich interaction domain 1A; plus strand). Cytogenetic location: 1p36.11.
Variant type: single nucleotide variant.
Coding change: c.3406G>A on transcript NM_006015.6 (MANE Select); coding-DNA position 3406, G replaced by A.
Protein change: p.Ala1136Thr; replaces alanine 1136 with threonine.
Molecular consequence: missense variant.
Genome position (GRCh38, 1-based): chr1:26,771,326, G>A. VCF-style: chr1-26771326-G-A. GRCh37 (hg19) VCF-style: chr1-27097817-G-A.
Other names: c.3406G>A, p.Ala1136Thr (NM_139135.4); short protein forms A1136T.
Identifiers: ClinVar variation 3340598 (VCV003340598.1).